The following is an entry in ClinVar:

ClinVar aggregate classification (germline): Uncertain significance. Review status: criteria provided, multiple submitters, no conflicts (2 of 4 stars). 3 submissions from 3 submitters: Uncertain significance (3). Last evaluated 2024-06-22.

Conditions:
Hereditary cancer-predisposing syndrome. Also called: Neoplastic Syndromes, Hereditary; Tumor predisposition; Hereditary Cancer Syndrome; Hereditary neoplastic syndrome. Identifiers: Orphanet 140162, MedGen C0027672, MeSH D009386, MONDO:0015356.
Nijmegen breakage syndrome-like disorder (NBSLD). Also called: MICROCEPHALY AND SPONTANEOUS CHROMOSOME INSTABILITY WITHOUT IMMUNODEFICIENCY; NBS-LIKE DISORDER; RAD50 DEFICIENCY. Identifiers: Orphanet 240760, MedGen C2751318, MONDO:0013118, OMIM 613078.

Allele frequency attached by ClinVar (database versions not stated): gnomAD exomes 0.00001.

Submissions (3):

Ambry Genetics
Classification: Uncertain significance for Hereditary cancer-predisposing syndrome. Last evaluated: 2024-06-22. Review status: criteria provided, single submitter. Criteria: Ambry Variant Classification Scheme 2023. Collection method: clinical testing. Allele origin: germline.
Comment: The p.S277G variant (also known as c.829A>G), located in coding exon 6 of the RAD50 gene, results from an A to G substitution at nucleotide position 829. The serine at codon 277 is replaced by glycine, an amino acid with similar properties. This amino acid position is conserved. In addition, this alteration is predicted to be tolerated by in silico analysis. Since supporting evidence is limited at this time, the clinical significance of this alteration remains unclear.

Labcorp Genetics (formerly Invitae), Labcorp
Classification: Uncertain significance for Hereditary cancer-predisposing syndrome. Last evaluated: 2024-06-12. Review status: criteria provided, single submitter. Criteria: Invitae Variant Classification Sherloc (09022015). Collection method: clinical testing. Allele origin: germline.
Comment: This sequence change replaces serine, which is neutral and polar, with glycine, which is neutral and non-polar, at codon 277 of the RAD50 protein (p.Ser277Gly). This variant is not present in population databases (gnomAD no frequency). This variant has not been reported in the literature in individuals affected with RAD50-related conditions. ClinVar contains an entry for this variant (Variation ID: 653827). Advanced modeling of protein sequence and biophysical properties (such as structural, functional, and spatial information, amino acid conservation, physicochemical variation, residue mobility, and thermodynamic stability) has been performed at Invitae for this missense variant, however the output from this modeling did not meet the statistical confidence thresholds required to predict the impact of this variant on RAD50 protein function. In summary, the available evidence is currently insufficient to determine the role of this variant in disease. Therefore, it has been classified as a Variant of Uncertain Significance.

Sema4
Classification: Uncertain significance for Nijmegen breakage syndrome-like disorder. Last evaluated: 2021-06-28. Review status: criteria provided, single submitter. Criteria: Sema4 Curation Guidelines. Collection method: curation. Allele origin: germline.
Comment: The RAD50 c.829A>G (p.S277G) variant has been reported in at least one individual with breast cancer (PMID: 33471991). It was not observed in the large and broad cohorts of the Genome Aggregation Database (PMID: 32461654). The variant has been reported in ClinVar (Variation ID 653827). In silico tools suggest the impact of the variant on protein function is inconclusive though these predictions have not been confirmed by functional studies. The evidence is insufficient to meet ACMG/AMP criteria for classifying the variant as benign or pathogenic. Thus, the clinical significance of this variant is currently uncertain.

Literature cited by the submitters: PubMed 33471991 (cited by Sema4).

NM_005732.4(RAD50):c.829A>G (p.Ser277Gly)

Gene: RAD50 (RAD50 double strand break repair protein; plus strand). Cytogenetic location: 5q31.1.
Variant type: single nucleotide variant.
Coding change: c.829A>G on transcript NM_005732.4 (MANE Select); coding-DNA position 829, A replaced by G.
Protein change: p.Ser277Gly; replaces serine 277 with glycine.
Molecular consequence: missense variant.
Genome position (GRCh38, 1-based): chr5:132,587,634, A>G. VCF-style: chr5-132587634-A-G. GRCh37 (hg19) VCF-style: chr5-131923326-A-G.
Other names: short protein forms S277G.
Identifiers: ClinVar variation 653827 (VCV000653827.13), dbSNP rs1580991879, ClinGen allele CA360940286.